The following is an entry in ClinVar:

ClinVar aggregate classification (germline): Uncertain significance (1 of 4 stars; one submission).

Conditions:
Hereditary cancer-predisposing syndrome. Also called: Neoplastic Syndromes, Hereditary; Tumor predisposition; Hereditary neoplastic syndrome; Hereditary Cancer Syndrome. Identifiers: Orphanet 140162, MedGen C0027672, MeSH D009386, MONDO:0015356.

Submission:

Ambry Genetics
Classification: Uncertain significance for Hereditary cancer-predisposing syndrome. Last evaluated: 2022-11-07. Review status: criteria provided, single submitter. Criteria: Ambry Variant Classification Scheme 2023. Collection method: clinical testing. Allele origin: germline.
Comment: The p.D609N variant (also known as c.1825G>A), located in coding exon 10 of the DICER1 gene, results from a G to A substitution at nucleotide position 1825. The aspartic acid at codon 609 is replaced by asparagine, an amino acid with highly similar properties. This amino acid position is conserved. In addition, this alteration is predicted to be tolerated by in silico analysis. Since supporting evidence is limited at this time, the clinical significance of this alteration remains unclear.

NM_177438.3(DICER1):c.1825G>A (p.Asp609Asn)

Gene: DICER1 (dicer 1, ribonuclease III; minus strand). Cytogenetic location: 14q32.13.
Variant type: single nucleotide variant.
Coding change: c.1825G>A on transcript NM_177438.3 (MANE Select); coding-DNA position 1825, G replaced by A.
Protein change: p.Asp609Asn; replaces aspartic acid 609 with asparagine.
Molecular consequence: missense variant. On other transcripts: non-coding transcript variant (6).
Genome position (GRCh38, 1-based): chr14:95,115,749, C>T on the plus strand (G>A on the coding strand, the complement: DICER1 is on the minus strand). VCF-style: chr14-95115749-C-T. GRCh37 (hg19) VCF-style: chr14-95582086-C-T.
Other names: c.1825G>A, p.Asp609Asn (NM_001195573.1, NM_001271282.3, NM_001291628.2 and 13 more transcripts); c.1543G>A, p.Asp515Asn (NM_001395686.1); c.1420G>A, p.Asp474Asn (NM_001395687.1, NM_001395688.1, NM_001395689.1 and 3 more transcripts); c.1258G>A, p.Asp420Asn (NM_001395691.1); c.142G>A, p.Asp48Asn (NM_001395697.1); short protein forms D474N, D420N, D515N, D48N, D609N.
Identifiers: ClinVar variation 2451686 (VCV002451686.2), dbSNP rs114947750, ClinGen allele CA390884049.